The following is an entry in ClinVar:

ClinVar aggregate classification (germline): Pathogenic (0 of 4 stars; one submission).

Conditions:
DOCK2 deficiency. Also called: Immunodeficiency 40. Identifiers: Orphanet 447737, MedGen C4225328, MONDO:0014637, OMIM 616433.

Submission:

Hambleton Lab, Translational and Clinical Research Institute, Newcastle University
Classification: Pathogenic for DOCK2 deficiency. Last evaluated: 2026-02-01. Review status: no assertion criteria provided. Collection method: research, in vitro. Allele origin: germline, not applicable. Inheritance: Autosomal recessive inheritance. Affected: yes. Observed: 3 variant alleles. Functional consequence: cryptic splice site, activated cryptic splice donor, absent protein.
Comment: We showed by cDNA sequencing and immunoblotting that this sequence change creates a cryptic splice site in the DOCK2 gene, resulting in frameshift, premature translational termination signal (p.V606Wfs*6) and absent full-length protein product. This variant is not present in population databases (no frequency in gnomADv4.1.1 and ExAC_V3) and fits the inheritance pattern, loss-of-function nature and associated phenotype of reported pathogenic variants in DOCK2 (PMID: 26083206). Therefore, this variant has been classified as Pathogenic.

Literature cited by the submitters: PubMed 26083206; PubMed 42929757.

NM_004946.3(DOCK2):c.1818G>A (p.Val606=)

Gene: DOCK2 (dedicator of cytokinesis 2; plus strand). Cytogenetic location: 5q35.1.
Variant type: single nucleotide variant.
Coding change: c.1818G>A on transcript NM_004946.3 (MANE Select); coding-DNA position 1818, G replaced by A.
Protein change: p.Val606=; no amino-acid change (valine 606 retained).
Molecular consequence: synonymous variant. On other transcripts: non-coding transcript variant (1).
Genome position (GRCh38, 1-based): chr5:169,714,186, G>A. VCF-style: chr5-169714186-G-A. GRCh37 (hg19) VCF-style: chr5-169141190-G-A.
Identifiers: ClinVar variation 4884856 (VCV004884856.1).